The following is an entry in ClinVar:

NM_001199397.3(NEK1):c.3770A>G (p.Asn1257Ser)

Gene: NEK1 (NIMA related kinase 1; minus strand). Cytogenetic location: 4q33.
Variant type: single nucleotide variant.
Coding change: c.3770A>G on transcript NM_001199397.3 (MANE Select); coding-DNA position 3770, A replaced by G.
Protein change: p.Asn1257Ser; replaces asparagine 1257 with serine.
Molecular consequence: missense variant. On other transcripts: non-coding transcript variant (1).
Genome position (GRCh38, 1-based): chr4:169,400,302, T>C on the plus strand (A>G on the coding strand, the complement: NEK1 is on the minus strand). VCF-style: chr4-169400302-T-C. GRCh37 (hg19) VCF-style: chr4-170321453-T-C.
Other names: c.3686A>G, p.Asn1229Ser (NM_012224.4, NM_001374419.1); c.3638A>G, p.Asn1213Ser (NM_001199398.3); c.3479A>G, p.Asn1160Ser (NM_001199399.3); c.3554A>G, p.Asn1185Ser (NM_001199400.3); c.3770A>G, p.Asn1257Ser (NM_001374418.1); c.3635A>G, p.Asn1212Ser (NM_001374420.1); c.3287A>G, p.Asn1096Ser (NM_001374421.1); short protein forms N1160S, N1213S, N1096S, N1257S, N1185S, N1212S, N1229S.
Identifiers: ClinVar variation 1978558 (VCV001978558.4), dbSNP rs1731437669, ClinGen allele CA358799796.

ClinVar aggregate classification (germline): Uncertain significance (1 of 4 stars; one submission).

Conditions:
Short-rib thoracic dysplasia 6 with or without polydactyly (SRTD6). Also called: Majewski Syndrome; SHORT-RIB THORACIC DYSPLASIA 6 WITH POLYDACTYLY; SHORT-RIB THORACIC DYSPLASIA 6 WITHOUT POLYDACTYLY; SHORT RIB-POLYDACTYLY SYNDROME, TYPE IIA; POLYDACTYLY WITH NEONATAL CHONDRODYSTROPHY, TYPE II. Identifiers: MedGen C0024507, MONDO:0009894, OMIM 263520.

Allele frequency attached by ClinVar (database versions not stated): gnomAD exomes below 0.00001.
gnomAD v4.1: 1 of 1,550,332 alleles (0.000065%); highest among the groups gnomAD compares: African/African-American, 0.0014%; no homozygotes.

Submission:

Labcorp Genetics (formerly Invitae), Labcorp
Classification: Uncertain significance for Short-rib thoracic dysplasia 6 with or without polydactyly. Last evaluated: 2024-10-13. Review status: criteria provided, single submitter. Criteria: Invitae Variant Classification Sherloc (09022015). Collection method: clinical testing. Allele origin: germline.
Comment: This sequence change replaces asparagine, which is neutral and polar, with serine, which is neutral and polar, at codon 1229 of the NEK1 protein (p.Asn1229Ser). This variant is not present in population databases (gnomAD no frequency). This variant has not been reported in the literature in individuals affected with NEK1-related conditions. ClinVar contains an entry for this variant (Variation ID: 1978558). Invitae Evidence Modeling of protein sequence and biophysical properties (such as structural, functional, and spatial information, amino acid conservation, physicochemical variation, residue mobility, and thermodynamic stability) indicates that this missense variant is not expected to disrupt NEK1 protein function with a negative predictive value of 80%. In summary, the available evidence is currently insufficient to determine the role of this variant in disease. Therefore, it has been classified as a Variant of Uncertain Significance.